The following is an entry in ClinVar:

ClinVar aggregate classification (germline): Likely pathogenic. Review status: criteria provided, multiple submitters, no conflicts (2 of 4 stars). 2 submissions from 2 submitters: Likely pathogenic (2). Last evaluated 2025-12-11.

Conditions:
Progressive familial intrahepatic cholestasis type 2. Identifiers: Orphanet 79304, MedGen C3489789, MONDO:0011156, OMIM 601847.
ABCB11-related disorder. Also called: ABCB11-related condition.

Submissions (2):

PreventionGenetics, part of Exact Sciences
Classification: Likely pathogenic for ABCB11-related condition. Last evaluated: 2025-12-11. Review status: criteria provided, single submitter. Criteria: ACMG Guidelines, 2015. Collection method: clinical testing. Allele origin: germline.
Comment: The ABCB11 c.1557_1558delCA variant is predicted to result in a frameshift and premature protein termination (p.Glu521Argfs*28). To our knowledge, this variant has not been reported in the literature or in a large population database (gnomAD), indicating this variant is rare. Frameshift variants in ABCB11 are expected to be pathogenic. This variant is interpreted as likely pathogenic.

Natera, Inc.
Classification: Likely pathogenic for Progressive familial intrahepatic cholestasis type 2. Last evaluated: 2024-06-17. Review status: criteria provided, single submitter. Criteria: Natera Variant Classification Schema (03/2026). Collection method: clinical testing. Allele origin: germline.
Comment: The c.1557_1558del variant in ABCB11 is a frameshift variant predicted to shift the reading frame beginning at codon 521 and leads to a stop codon 28 codons downstream. This variant is expected to result in nonsense mediated decay, truncation, or a dysfunctional protein product. This variant is rare in the general population with a frequency below the threshold expected for the associated phenotype(s). Given the available evidence, this variant is classified as Likely Pathogenic.

NM_003742.4(ABCB11):c.1557_1558del (p.Glu521fs)

Gene: ABCB11 (ATP binding cassette subfamily B member 11; minus strand). Cytogenetic location: 2q31.1.
Variant type: Deletion.
Coding change: c.1557_1558del on transcript NM_003742.4 (MANE Select); coding-DNA positions 1557 to 1558, 2 bases deleted (CA; older notation c.1557_1558delCA).
Protein change: p.Glu521fs; shifts the reading frame from glutamic acid 521.
Molecular consequence: frameshift variant.
Genome position (GRCh38, 1-based): chr2:168,971,927-168,971,928, TG deleted on the plus strand (CA on the coding strand, the reverse complement: ABCB11 is on the minus strand). VCF-style (leftmost placement, unchanged base first): chr2-168971926-CTG-C. GRCh37 (hg19) VCF-style: chr2-169828436-CTG-C.
Other names: c.1557_1558delCA (NM_003742.2); short protein forms E521fs.
Identifiers: ClinVar variation 4815260 (VCV004815260.2).